The following is an entry in ClinVar:

ClinVar aggregate classification (germline): Uncertain significance (1 of 4 stars; one submission).

Allele frequency attached by ClinVar (database versions not stated): gnomAD exomes 0.00001; ExAC 0.00002.
gnomAD v4.1: 7 of 1,603,192 alleles (0.00044%); highest among the groups gnomAD compares: South Asian, 0.0022%; no homozygotes.

Submission:

Labcorp Genetics (formerly Invitae), Labcorp
Classification: Uncertain significance. Last evaluated: 2023-01-30. Review status: criteria provided, single submitter. Criteria: Invitae Variant Classification Sherloc (09022015). Collection method: clinical testing. Allele origin: germline.
Comment: In summary, the available evidence is currently insufficient to determine the role of this variant in disease. Therefore, it has been classified as a Variant of Uncertain Significance. Algorithms developed to predict the effect of missense changes on protein structure and function are either unavailable or do not agree on the potential impact of this missense change (SIFT: "Deleterious"; PolyPhen-2: "Probably Damaging"; Align-GVGD: "Class C0"). This variant has not been reported in the literature in individuals affected with ARHGEF1-related conditions. This variant is present in population databases (rs782100845, gnomAD 0.003%). This sequence change replaces arginine, which is basic and polar, with tryptophan, which is neutral and slightly polar, at codon 196 of the ARHGEF1 protein (p.Arg196Trp).

NM_004706.4(ARHGEF1):c.541C>T (p.Arg181Trp)

Gene: ARHGEF1 (Rho guanine nucleotide exchange factor 1; plus strand). Cytogenetic location: 19q13.2.
Variant type: single nucleotide variant.
Coding change: c.541C>T on transcript NM_004706.4 (MANE Select); coding-DNA position 541, C replaced by T.
Protein change: p.Arg181Trp; replaces arginine 181 with tryptophan.
Molecular consequence: missense variant. On other transcripts: non-coding transcript variant (2).
Genome position (GRCh38, 1-based): chr19:41,892,776, C>T. VCF-style: chr19-41892776-C-T. GRCh37 (hg19) VCF-style: chr19-42396847-C-T.
Other names: c.541C>T, p.Arg181Trp (NM_001396000.1, NM_001396003.1, NM_001396006.1); c.442C>T, p.Arg148Trp (NM_001396002.1, NM_001396004.1, NM_198977.2); c.586C>T, p.Arg196Trp (NM_199002.2); short protein forms R196W, R148W, R181W.
Identifiers: ClinVar variation 2991737 (VCV002991737.3), dbSNP rs782100845, ClinGen allele CA9465932.
Genomic context (GRCh38, chr19:41,892,776, plus strand): 5'-CGGCTCATGGGCATGACGCCCTGGGAGCAGGAGCTGGCCCAGCTGGAGGCTTGGGTTGGG[C>T]GGGACCGAGCCAGCTACGAGGCCCGGGAGCGGCACGTGGCGGAGCGGCTGCTCATGCACC-3'
Protein context (NP_004697.2, residues 171-191): ELAQLEAWVG[Arg181Trp]DRASYEARER